The following is an entry in ClinVar:

NM_000264.5(PTCH1):c.4235C>A (p.Pro1412His)

Gene: PTCH1 (patched 1; minus strand). Cytogenetic location: 9q22.32.
Variant type: single nucleotide variant.
Coding change: c.4235C>A on transcript NM_000264.5 (MANE Select); coding-DNA position 4235, C replaced by A.
Protein change: p.Pro1412His; replaces proline 1412 with histidine.
Molecular consequence: missense variant. On other transcripts: non-coding transcript variant (1).
Genome position (GRCh38, 1-based): chr9:95,447,021, G>T on the plus strand (C>A on the coding strand, the complement: PTCH1 is on the minus strand). VCF-style: chr9-95447021-G-T. GRCh37 (hg19) VCF-style: chr9-98209303-G-T.
Other names: c.4037C>A, p.Pro1346His (NM_001083602.3); c.4232C>A, p.Pro1411His (NM_001083603.3); c.3782C>A, p.Pro1261His (NM_001083604.3, NM_001083605.3, NM_001083606.3 and 1 more transcripts); c.4079C>A, p.Pro1360His (NM_001354918.2); short protein forms P1261H, P1346H, P1360H, P1411H, P1412H.
Identifiers: ClinVar variation 4800287 (VCV004800287.1).

ClinVar aggregate classification (germline): Uncertain significance (1 of 4 stars; one submission).

Conditions:
Gorlin syndrome. Also called: Nevoid Basal Cell Carcinoma Syndrome; Basal cell nevus syndrome. Identifiers: Orphanet 377, MedGen C0004779, MONDO:0007187.

Submission:

Labcorp Genetics (formerly Invitae), Labcorp
Classification: Uncertain significance for Gorlin syndrome. Last evaluated: 2025-08-03. Review status: criteria provided, single submitter. Criteria: Invitae Variant Classification Sherloc (09022015). Collection method: clinical testing. Allele origin: germline.
Comment: This sequence change replaces proline, which is neutral and non-polar, with histidine, which is basic and polar, at codon 1412 of the PTCH1 protein (p.Pro1412His). This variant is not present in population databases (gnomAD no frequency). This variant has not been reported in the literature in individuals affected with PTCH1-related conditions. Invitae Evidence Modeling of protein sequence and biophysical properties (such as structural, functional, and spatial information, amino acid conservation, physicochemical variation, residue mobility, and thermodynamic stability) has been performed for this missense variant. However, the output from this modeling did not meet the statistical confidence thresholds required to predict the impact of this variant on PTCH1 protein function. In summary, the available evidence is currently insufficient to determine the role of this variant in disease. Therefore, it has been classified as a Variant of Uncertain Significance.